The following is an entry in ClinVar:

ClinVar aggregate classification (germline): Conflicting classifications of pathogenicity. Review status: criteria provided, conflicting classifications (1 of 4 stars). 2 submissions from 2 submitters: Uncertain significance (1); Likely benign (1). Last evaluated 2024-02-21.

Conditions:
Inborn genetic diseases. Identifiers: MedGen C0950123, MeSH D030342.

Allele frequency attached by ClinVar (database versions not stated): gnomAD exomes 0.00002 and 0.00003; ExAC 0.00003; gnomAD 0.00009 and 0.00010; ESP Exome Variant Server 0.00015; TOPMed 0.00016.
gnomAD v4.1: 37 of 1,613,692 alleles (0.0023%); highest among the groups gnomAD compares: African/African-American, 0.047%; no homozygotes.

Submissions (2):

Ambry Genetics
Classification: Likely benign for Inborn genetic diseases. Last evaluated: 2024-02-21. Review status: criteria provided, single submitter. Criteria: Ambry Variant Classification Scheme 2023. Collection method: clinical testing. Allele origin: germline.

Labcorp Genetics (formerly Invitae), Labcorp
Classification: Uncertain significance. Last evaluated: 2022-08-16. Review status: criteria provided, single submitter. Criteria: Invitae Variant Classification Sherloc (09022015). Collection method: clinical testing. Allele origin: germline.
Comment: This sequence change replaces threonine, which is neutral and polar, with alanine, which is neutral and non-polar, at codon 1022 of the TUBGCP6 protein (p.Thr1022Ala). This variant is present in population databases (rs139509927, gnomAD 0.05%). This variant has not been reported in the literature in individuals affected with TUBGCP6-related conditions. ClinVar contains an entry for this variant (Variation ID: 842301). Algorithms developed to predict the effect of missense changes on protein structure and function output the following: SIFT: "Deleterious"; PolyPhen-2: "Benign"; Align-GVGD: "Class C0". The alanine amino acid residue is found in multiple mammalian species, which suggests that this missense change does not adversely affect protein function. In summary, the available evidence is currently insufficient to determine the role of this variant in disease. Therefore, it has been classified as a Variant of Uncertain Significance.

NM_020461.4(TUBGCP6):c.3064A>G (p.Thr1022Ala)

Gene: TUBGCP6 (tubulin gamma complex component 6; minus strand). Cytogenetic location: 22q13.33.
Variant type: single nucleotide variant.
Coding change: c.3064A>G on transcript NM_020461.4 (MANE Select); coding-DNA position 3064, A replaced by G.
Protein change: p.Thr1022Ala; replaces threonine 1022 with alanine.
Molecular consequence: missense variant.
Genome position (GRCh38, 1-based): chr22:50,221,295, T>C on the plus strand (A>G on the coding strand, the complement: TUBGCP6 is on the minus strand). VCF-style: chr22-50221295-T-C. GRCh37 (hg19) VCF-style: chr22-50659724-T-C.
Other names: short protein forms T1022A.
Identifiers: ClinVar variation 842301 (VCV000842301.5), dbSNP rs139509927, ClinGen allele CA10308062.